The following is an entry in ClinVar:

ClinVar aggregate classification (germline): Uncertain significance. Review status: criteria provided, multiple submitters, no conflicts (2 of 4 stars). 3 submissions from 2 submitters: Uncertain significance (3). Last evaluated 2022-08-16.

Conditions:
Leigh syndrome (NULS). Also called: Leigh's syndrome; Leigh Disease; Subacute necrotizing encephalopathy; Necrotizing encephalopathy infantile subacute of Leigh; LEIGH SYNDROME, NUCLEAR; Leigh's necrotizing encephalopathy. Identifiers: Orphanet 506, MedGen C2931891, MONDO:0009723, OMIM 256000.
Mitochondrial complex IV deficiency, nuclear type 1 (MC4DN1). Also called: COX DEFICIENCY; Mitochondrial complex IV deficiency; Complex 4 mitochondrial respiratory chain deficiency; Deficiency of mitochondrial respiratory chain complex4; Complex IV deficiency. Identifiers: MedGen C5435656, MONDO:0700250, OMIM 220110. Disease mechanism: loss of function.

Allele frequency attached by ClinVar (database versions not stated): gnomAD exomes below 0.00001 and 0.00001; ExAC 0.00001; gnomAD 0.00002; TOPMed 0.00004; ESP Exome Variant Server 0.00008.
gnomAD v4.1: 8 of 1,569,170 alleles (0.00051%); highest among the groups gnomAD compares: African/African-American, 0.0095%; no homozygotes.

Submissions (3):

Labcorp Genetics (formerly Invitae), Labcorp
Classification: Uncertain significance. Last evaluated: 2022-08-16. Review status: criteria provided, single submitter. Criteria: Invitae Variant Classification Sherloc (09022015). Collection method: clinical testing. Allele origin: germline.
Comment: In summary, the available evidence is currently insufficient to determine the role of this variant in disease. Therefore, it has been classified as a Variant of Uncertain Significance. Variants that disrupt the consensus splice site are a relatively common cause of aberrant splicing (PMID: 17576681, 9536098). Algorithms developed to predict the effect of sequence changes on RNA splicing suggest that this variant may disrupt the consensus splice site. ClinVar contains an entry for this variant (Variation ID: 891884). This variant has not been reported in the literature in individuals affected with SCO1-related conditions. This variant is present in population databases (rs376237477, gnomAD 0.01%). This sequence change falls in intron 5 of the SCO1 gene. It does not directly change the encoded amino acid sequence of the SCO1 protein. It affects a nucleotide within the consensus splice site.

Illumina Laboratory Services, Illumina
Classification: Uncertain significance for Leigh syndrome. Last evaluated: 2018-01-12. Review status: criteria provided, single submitter. Criteria: ICSL Variant Classification Criteria 13 December 2019. Collection method: clinical testing. Allele origin: germline.

Illumina Laboratory Services, Illumina
Classification: Uncertain significance for Mitochondrial complex IV deficiency, nuclear type 1. Last evaluated: 2018-01-12. Review status: criteria provided, single submitter. Criteria: ICSL Variant Classification Criteria 13 December 2019. Collection method: clinical testing. Allele origin: germline.

Literature cited by the submitters: PubMed 17576681 (cited by Labcorp Genetics (formerly Invitae), Labcorp); PubMed 9536098 (cited by Labcorp Genetics (formerly Invitae), Labcorp).

NM_004589.4(SCO1):c.771+3G>C

Gene: SCO1 (synthesis of cytochrome C oxidase 1; minus strand). Cytogenetic location: 17p13.1.
Variant type: single nucleotide variant.
Coding change: c.771+3G>C on transcript NM_004589.4 (MANE Select); 3 bases into the intron after coding-DNA position 771, G replaced by C.
Molecular consequence: intron variant.
Genome position (GRCh38, 1-based): chr17:10,686,724, C>G on the plus strand (G>C on the coding strand, the complement: SCO1 is on the minus strand). VCF-style: chr17-10686724-C-G. GRCh37 (hg19) VCF-style: chr17-10590041-C-G.
Identifiers: ClinVar variation 891884 (VCV000891884.9), dbSNP rs376237477, ClinGen allele CA8393487.